The following is an entry in ClinVar:

NM_000069.3(CACNA1S):c.3806A>G (p.Tyr1269Cys)

Gene: CACNA1S (calcium voltage-gated channel subunit alpha1 S; minus strand). Cytogenetic location: 1q32.1.
Variant type: single nucleotide variant.
Coding change: c.3806A>G on transcript NM_000069.3 (MANE Select); coding-DNA position 3806, A replaced by G.
Protein change: p.Tyr1269Cys; replaces tyrosine 1269 with cysteine.
Molecular consequence: missense variant.
Genome position (GRCh38, 1-based): chr1:201,053,264, T>C on the plus strand (A>G on the coding strand, the complement: CACNA1S is on the minus strand). VCF-style: chr1-201053264-T-C. GRCh37 (hg19) VCF-style: chr1-201022392-T-C.
Other names: short protein forms Y1269C.
Identifiers: ClinVar variation 1881330 (VCV001881330.6), dbSNP rs2464458891, ClinGen allele CA344153780.

ClinVar aggregate classification (germline): Uncertain significance. Review status: criteria provided, multiple submitters, no conflicts (2 of 4 stars). 4 submissions from 4 submitters: Uncertain significance (4). Last evaluated 2024-03-25.

Conditions:
Hypokalemic periodic paralysis, type 1. Also called: Hypokalemic Periodic Paralysis Type 1 (AD); HypoPP. Identifiers: Orphanet 681, MedGen C3714580, MONDO:0042979, OMIM 170400.
Malignant hyperthermia, susceptibility to, 5 (MHS5). Also called: CACNA1S-Related Malignant Hyperthermia Susceptibility. Identifiers: Orphanet 423, MedGen C1866077, MONDO:0011163, OMIM 601887.
Thyrotoxic periodic paralysis, susceptibility to, 1 (TTPP1). Identifiers: Orphanet 79102, MedGen C2749982, MONDO:0008570, OMIM 188580.
Congenital myopathy 18. Also called: Myopathy, congenital, due to dihydropyridine receptor defect; DIHYDROPYRIDINE RECEPTOR CONGENITAL MYOPATHY; DHPR CONGENITAL MYOPATHY. Identifiers: MedGen C5830283, MONDO:0859514, OMIM 620246.

Allele frequency attached by ClinVar (database versions not stated): gnomAD exomes below 0.00001.
gnomAD v4.1: 2 of 1,614,212 alleles (0.00012%); highest among the groups gnomAD compares: Non-Finnish European, 0.00017%; no homozygotes.

Submissions (4):

Fulgent Genetics
Classification: Uncertain significance for Hypokalemic periodic paralysis, type 1; Thyrotoxic periodic paralysis, susceptibility to, 1; Malignant hyperthermia, susceptibility to, 5; Congenital myopathy 18. Last evaluated: 2024-03-25. Review status: criteria provided, single submitter. Criteria: ACMG Guidelines, 2015. Collection method: clinical testing. Allele origin: germline.

Color Diagnostics, LLC DBA Color Health
Classification: Uncertain significance for Malignant hyperthermia, susceptibility to, 5. Last evaluated: 2024-03-06. Review status: criteria provided, single submitter. Criteria: ACMG Guidelines, 2015. Collection method: clinical testing. Allele origin: germline.
Comment: This missense variant replaces tyrosine with cysteine at codon 1269 of the CACNA1S protein. Computational prediction suggests that this variant may have deleterious impact on protein structure and function. To our knowledge, functional studies have not been reported for this variant. This variant has not been reported in individuals affected with CACNA1S-related disorders in the literature. This variant has not been identified in the general population by the Genome Aggregation Database (gnomAD). The available evidence is insufficient to determine the role of this variant in disease conclusively. Therefore, this variant is classified as a Variant of Uncertain Significance.

All of Us Research Program, National Institutes of Health
Classification: Uncertain significance for Malignant hyperthermia, susceptibility to, 5. Last evaluated: 2023-12-13. Review status: criteria provided, single submitter. Criteria: ACMG Guidelines, 2015. Collection method: clinical testing. Allele origin: germline. Inheritance: Autosomal dominant inheritance. Observed: 2 variant alleles, 2 heterozygotes.
Comment: This missense variant replaces tyrosine with cysteine at codon 1269 of the CACNA1S protein. Computational prediction suggests that this variant may have deleterious impact on protein structure and function (internally defined REVEL score threshold >= 0.7, PMID: 27666373). To our knowledge, functional studies have not been reported for this variant. This variant has not been reported in individuals affected with CACNA1S-related disorders in the literature. This variant has not been identified in the general population by the Genome Aggregation Database (gnomAD). The available evidence is insufficient to determine the role of this variant in disease conclusively. Therefore, this variant is classified as a Variant of Uncertain Significance.

This study involves interpretation of variants in research participants for the purpose of population health screening. Participant phenotype was not available at the time of variant classification. Additional details can be found in publication PMID: 35346344, PMCID: PMC8962531

Labcorp Genetics (formerly Invitae), Labcorp
Classification: Uncertain significance for Hypokalemic periodic paralysis, type 1; Malignant hyperthermia, susceptibility to, 5. Last evaluated: 2023-08-17. Review status: criteria provided, single submitter. Criteria: Invitae Variant Classification Sherloc (09022015). Collection method: clinical testing. Allele origin: germline.
Comment: In summary, the available evidence is currently insufficient to determine the role of this variant in disease. Therefore, it has been classified as a Variant of Uncertain Significance. Advanced modeling of protein sequence and biophysical properties (such as structural, functional, and spatial information, amino acid conservation, physicochemical variation, residue mobility, and thermodynamic stability) has been performed at Invitae for this missense variant, however the output from this modeling did not meet the statistical confidence thresholds required to predict the impact of this variant on CACNA1S protein function. ClinVar contains an entry for this variant (Variation ID: 1881330). This variant has not been reported in the literature in individuals affected with CACNA1S-related conditions. This variant is not present in population databases (gnomAD no frequency). This sequence change replaces tyrosine, which is neutral and polar, with cysteine, which is neutral and slightly polar, at codon 1269 of the CACNA1S protein (p.Tyr1269Cys).